The following is an entry in ClinVar:

NM_000059.4(BRCA2):c.3076A>T (p.Lys1026Ter)

Gene: BRCA2 (BRCA2 DNA repair associated; plus strand). Cytogenetic location: 13q13.1.
Variant type: single nucleotide variant.
Coding change: c.3076A>T on transcript NM_000059.4 (MANE Select); coding-DNA position 3076, A replaced by T.
Protein change: p.Lys1026Ter; replaces lysine 1026 with a stop codon.
Molecular consequence: nonsense.
Genome position (GRCh38, 1-based): chr13:32,337,431, A>T. VCF-style: chr13-32337431-A-T. GRCh37 (hg19) VCF-style: chr13-32911568-A-T.
Other names: short protein forms K1026*.
Identifiers: ClinVar variation 51395 (VCV000051395.14), dbSNP rs80358552, ClinGen allele CA017194.

ClinVar aggregate classification (germline): Pathogenic. Review status: reviewed by expert panel (3 of 4 stars). 9 submissions from 9 submitters: Pathogenic (1). 8 of the submissions do not count toward it. Last evaluated 2016-09-08.

Conditions:
Hereditary breast ovarian cancer syndrome. Also called: Hereditary breast and ovarian cancer syndrome; Hereditary breast and ovarian cancer; Hereditary breast and ovarian cancer syndrome (HBOC); Breast and ovarian cancer; Hereditary breast and/or ovarian cancer syndrome; BRCA1- and BRCA2-Associated Hereditary Breast and Ovarian Cancer. Identifiers: Orphanet 145, MedGen C0677776, MeSH D061325, MONDO:0003582. Disease mechanism: loss of function.
Breast-ovarian cancer, familial, susceptibility to, 2 (BROVCA2). Also called: BRCA2 Hereditary Breast and Ovarian Cancer. Identifiers: Orphanet 145, MedGen C2675520, MONDO:0012933, OMIM 612555. Disease mechanism: loss of function.
Breast and/or ovarian cancer. Identifiers: MedGen CN221562.
Hereditary cancer-predisposing syndrome. Also called: Neoplastic Syndromes, Hereditary; Tumor predisposition; Hereditary Cancer Syndrome; Hereditary neoplastic syndrome. Identifiers: Orphanet 140162, MedGen C0027672, MeSH D009386, MONDO:0015356.

gnomAD v4.1: 1 of 1,613,176 alleles (0.000062%); highest among the groups gnomAD compares: Non-Finnish European, 0.000085%; no homozygotes.

Submissions (9):

Evidence-based Network for the Interpretation of Germline Mutant Alleles (ENIGMA)
Classification: Pathogenic for Breast-ovarian cancer, familial, susceptibility to, 2. Last evaluated: 2016-09-08. Review status: reviewed by expert panel. Criteria: ENIGMA BRCA1/2 Classification Criteria (2015). Collection method: curation. Allele origin: germline.
Comment: Variant allele predicted to encode a truncated non-functional protein.

Labcorp Genetics (formerly Invitae), Labcorp
Classification: Pathogenic for Hereditary breast ovarian cancer syndrome. Last evaluated: 2025-07-30. Review status: criteria provided, single submitter. Criteria: Invitae Variant Classification Sherloc (09022015). Collection method: clinical testing. Allele origin: germline. Not counted in ClinVar's aggregate classification.
Comment: This sequence change creates a premature translational stop signal (p.Lys1026*) in the BRCA2 gene. It is expected to result in an absent or disrupted protein product. Loss-of-function variants in BRCA2 are known to be pathogenic (PMID: 20104584). This variant is not present in population databases (gnomAD no frequency). This premature translational stop signal has been observed in individual(s) with breast and/or ovarian cancer (PMID: 15024741). ClinVar contains an entry for this variant (Variation ID: 51395). For these reasons, this variant has been classified as Pathogenic.

All of Us Research Program, National Institutes of Health
Classification: Pathogenic for Breast-ovarian cancer, familial, susceptibility to, 2. Last evaluated: 2023-07-10. Review status: criteria provided, single submitter. Criteria: ACMG Guidelines, 2015. Collection method: clinical testing. Allele origin: germline. Inheritance: Autosomal dominant inheritance. Observed: 1 variant allele, 1 heterozygote. Not counted in ClinVar's aggregate classification.
Comment: This variant changes 1 nucleotide in exon 11 of the BRCA2 gene, creating a premature translation stop signal. This variant is expected to result in an absent or non-functional protein product. This variant has been reported in individuals with a personal or family history of breast and/or ovarian cancer (PMID: 15024741, 15131399, 16168118, 21203900) and an individual affected with pancreatic cancer (PMID: 30836094) This variant has not been identified in the general population by the Genome Aggregation Database (gnomAD). Loss of BRCA2 function is a known mechanism of disease. Based on the available evidence, this variant is classified as Pathogenic.

This study involves interpretation of variants in research participants for the purpose of population health screening. Participant phenotype was not available at the time of variant classification. Additional details can be found in publication PMID: 35346344, PMCID: PMC8962531

GeneDx
Classification: Pathogenic. Last evaluated: 2022-06-06. Review status: criteria provided, single submitter. Criteria: GeneDx Variant Classification Process June 2021. Collection method: clinical testing. Allele origin: germline. Affected: yes. Not counted in ClinVar's aggregate classification.
Comment: Nonsense variant predicted to result in protein truncation or nonsense mediated decay in a gene for which loss of function is a known mechanism of disease; Not observed at significant frequency in large population cohorts (gnomAD); Identified in multiple families with breast and ovarian cancer (Foretova 2004, Pohlreich 2005, Machackova 2008, Zidekova 2018); Truncating variants in this gene are considered pathogenic by a well-established clinical consortium and/or database; Also known as 3304A>T; This variant is associated with the following publications: (PMID: 25525159, 29446198, 15024741, 29534594, 16168118, 18489799)

Ambry Genetics
Classification: Pathogenic for Hereditary cancer-predisposing syndrome. Last evaluated: 2018-08-08. Review status: criteria provided, single submitter. Criteria: Ambry Variant Classification Scheme 2023. Collection method: clinical testing. Allele origin: germline. Not counted in ClinVar's aggregate classification.
Comment: The p.K1026* pathogenic mutation (also known as c.3076A>T), located in coding exon 10 of the BRCA2 gene, results from an A to T substitution at nucleotide position 3076. This changes the amino acid from a lysine to a stop codon within coding exon 10. This alteration has been identified in multiple famliies of Czech descent with high-risk breast and ovarian cancer (Foretova L et al. Hum. Mutat. 2004 Apr; 23(4):397-8; Pohlreich P et al. Breast Cancer Res. 2005; 7(5):R728-R736). This alteration is expected to result in loss of function by premature protein truncation or nonsense-mediated mRNA decay. As such, this alteration is interpreted as a disease-causing mutation.

Consortium of Investigators of Modifiers of BRCA1/2 (CIMBA), c/o University of Cambridge
Classification: Pathogenic for Breast-ovarian cancer, familial, susceptibility to, 2. Last evaluated: 2015-10-02. Review status: criteria provided, single submitter. Criteria: CIMBA Mutation Classification guidelines May 2016. Collection method: clinical testing. Allele origin: germline. Not counted in ClinVar's aggregate classification.

CZECANCA consortium
Classification: Pathogenic for Breast and/or ovarian cancer. Last evaluated: 2019-06-11. Review status: no assertion criteria provided. Collection method: case-control, clinical testing. Allele origin: germline. Affected: no and yes. Observed: 6 variant alleles. Not counted in ClinVar's aggregate classification.

Research Molecular Genetics Laboratory, Women's College Hospital, University of Toronto
Classification: Pathogenic for Hereditary breast ovarian cancer syndrome. Last evaluated: 2014-01-31. Review status: no assertion criteria provided. Collection method: research. Allele origin: germline. Affected: yes. Study: The Canadian Open Genetics Repository (COGR). Not counted in ClinVar's aggregate classification.

Breast Cancer Information Core (BIC) (BRCA2)
Classification: Pathogenic for Breast-ovarian cancer, familial 2. Last evaluated: 2002-05-29. Review status: no assertion criteria provided. Collection method: clinical testing. Allele origin: germline. Affected: yes. Observed: 4 variant alleles. Not counted in ClinVar's aggregate classification.

Literature cited by the submitters: PubMed 20104584 (cited by Labcorp Genetics (formerly Invitae), Labcorp); PubMed 15024741 (cited by 4 submitters); PubMed 15131399 (cited by All of Us Research Program, National Institutes of Health); PubMed 16168118 (cited by All of Us Research Program, National Institutes of Health); PubMed 21203900 (cited by All of Us Research Program, National Institutes of Health); PubMed 30836094 (cited by All of Us Research Program, National Institutes of Health); PubMed 32295079 (cited by CZECANCA consortium).